The following is an entry in ClinVar:

ClinVar aggregate classification (germline): Uncertain significance (1 of 4 stars; one submission).

Allele frequency attached by ClinVar (database versions not stated): gnomAD exomes below 0.00001.

Submission:

Labcorp Genetics (formerly Invitae), Labcorp
Classification: Uncertain significance for Ehlers-Danlos syndrome progeroid type. Last evaluated: 2024-11-21. Review status: criteria provided, single submitter. Criteria: Invitae Variant Classification Sherloc (09022015). Collection method: clinical testing. Allele origin: germline.
Comment: This sequence change replaces arginine, which is basic and polar, with tryptophan, which is neutral and slightly polar, at codon 5 of the B4GALT7 protein (p.Arg5Trp). This variant is not present in population databases (gnomAD no frequency). This variant has not been reported in the literature in individuals affected with B4GALT7-related conditions. ClinVar contains an entry for this variant (Variation ID: 1347751). An algorithm developed to predict the effect of missense changes on protein structure and function (PolyPhen-2) suggests that this variant is likely to be disruptive. In summary, the available evidence is currently insufficient to determine the role of this variant in disease. Therefore, it has been classified as a Variant of Uncertain Significance.

NM_007255.3(B4GALT7):c.13C>T (p.Arg5Trp)

Genes: B4GALT7 (beta-1,4-galactosyltransferase 7; plus strand), LOC129995400 (ATAC-STARR-seq lymphoblastoid silent region 16704; plus strand). Cytogenetic location: 5q35.3.
Variant type: single nucleotide variant.
Coding change: c.13C>T on transcript NM_007255.3 (MANE Select); coding-DNA position 13, C replaced by T.
Protein change: p.Arg5Trp; replaces arginine 5 with tryptophan.
Molecular consequence: missense variant.
Genome position (GRCh38, 1-based): chr5:177,600,223, C>T. VCF-style: chr5-177600223-C-T. GRCh37 (hg19) VCF-style: chr5-177027224-C-T.
Other names: short protein forms R5W.
Identifiers: ClinVar variation 1347751 (VCV001347751.4), dbSNP rs2127509643, ClinGen allele CA362371542.
Genomic context (GRCh38, chr5:177,600,223, plus strand): 5'-CGGCCGGGCTGCGAGCGCCTGCCCCATGCGCCGCCGCCTCTCCGCACGATGTTCCCCTCG[C>T]GGAGGAAAGCGGCGCAGCTGCCCTGGGAGGACGGCAGGTGAGCGGCGGCGGTGGGCCCGG-3'
Protein context (NP_009186.1, residues 1-15): MFPS[Arg5Trp]RKAAQLPWED